The following is an entry in ClinVar:

NM_000059.4(BRCA2):c.5135G>C (p.Gly1712Ala)

Gene: BRCA2 (BRCA2 DNA repair associated; plus strand). Cytogenetic location: 13q13.1.
Variant type: single nucleotide variant.
Coding change: c.5135G>C on transcript NM_000059.4 (MANE Select); coding-DNA position 5135, G replaced by C.
Protein change: p.Gly1712Ala; replaces glycine 1712 with alanine.
Molecular consequence: missense variant.
Genome position (GRCh38, 1-based): chr13:32,339,490, G>C. VCF-style: chr13-32339490-G-C. GRCh37 (hg19) VCF-style: chr13-32913627-G-C.
Other names: c.5135G>C (NM_000059.3); short protein forms G1712A.
Identifiers: ClinVar variation 1497818 (VCV001497818.9), dbSNP rs1453037467, ClinGen allele CA387784185.

ClinVar aggregate classification (germline): Conflicting classifications of pathogenicity. Review status: criteria provided, conflicting classifications (1 of 4 stars). 3 submissions from 3 submitters: Uncertain significance (2); Likely benign (1). Last evaluated 2026-02-16.

Conditions:
Hereditary cancer-predisposing syndrome. Also called: Neoplastic Syndromes, Hereditary; Tumor predisposition; Hereditary Cancer Syndrome; Hereditary neoplastic syndrome. Identifiers: Orphanet 140162, MedGen C0027672, MeSH D009386, MONDO:0015356.
Hereditary breast ovarian cancer syndrome. Also called: Hereditary breast and ovarian cancer syndrome (HBOC); Hereditary breast and ovarian cancer; Breast and ovarian cancer; Hereditary breast and/or ovarian cancer syndrome; BRCA1- and BRCA2-Associated Hereditary Breast and Ovarian Cancer; Hereditary breast and ovarian cancer syndrome. Identifiers: Orphanet 145, MedGen C0677776, MeSH D061325, MONDO:0003582. Disease mechanism: loss of function.

Submissions (3):

Ambry Genetics
Classification: Uncertain significance for Hereditary cancer-predisposing syndrome. Last evaluated: 2026-02-16. Review status: criteria provided, single submitter. Criteria: Ambry Variant Classification Scheme 2023. Collection method: clinical testing. Allele origin: germline.
Comment: The p.G1712A variant (also known as c.5135G>C), located in coding exon 10 of the BRCA2 gene, results from a G to C substitution at nucleotide position 5135. The glycine at codon 1712 is replaced by alanine, an amino acid with similar properties. This amino acid position is conserved. In addition, this alteration is predicted to be tolerated by in silico analysis. Based on the available evidence, the clinical significance of this variant remains unclear.

Labcorp Genetics (formerly Invitae), Labcorp
Classification: Uncertain significance for Hereditary breast ovarian cancer syndrome. Last evaluated: 2024-12-18. Review status: criteria provided, single submitter. Criteria: Invitae Variant Classification Sherloc (09022015). Collection method: clinical testing. Allele origin: germline.
Comment: This sequence change replaces glycine, which is neutral and non-polar, with alanine, which is neutral and non-polar, at codon 1712 of the BRCA2 protein (p.Gly1712Ala). This variant is not present in population databases (gnomAD no frequency). This variant has not been reported in the literature in individuals affected with BRCA2-related conditions. ClinVar contains an entry for this variant (Variation ID: 1497818). Invitae Evidence Modeling of protein sequence and biophysical properties (such as structural, functional, and spatial information, amino acid conservation, physicochemical variation, residue mobility, and thermodynamic stability) indicates that this missense variant is not expected to disrupt BRCA2 protein function with a negative predictive value of 95%. In summary, the available evidence is currently insufficient to determine the role of this variant in disease. Therefore, it has been classified as a Variant of Uncertain Significance.

University of Washington Department of Laboratory Medicine, University of Washington
Classification: Likely benign for Hereditary cancer-predisposing syndrome. Last evaluated: 2023-03-23. Review status: criteria provided, single submitter. Criteria: Dines et al. (Genet Med. 2020). Collection method: curation. Allele origin: germline.
Comment: Missense variant in a coldspot region where missense variants are very unlikely to be pathogenic (PMID:31911673).

BRCA2 exon 11 coldspot. Reclassification based on statistical prior probability.